The following is an entry in ClinVar:

NM_002335.4(LRP5):c.3046C>G (p.Leu1016Val)

Gene: LRP5 (LDL receptor related protein 5; plus strand). Cytogenetic location: 11q13.2.
Variant type: single nucleotide variant.
Coding change: c.3046C>G on transcript NM_002335.4 (MANE Select); coding-DNA position 3046, C replaced by G.
Protein change: p.Leu1016Val; replaces leucine 1016 with valine.
Molecular consequence: missense variant.
Genome position (GRCh38, 1-based): chr11:68,423,507, C>G. VCF-style: chr11-68423507-C-G. GRCh37 (hg19) VCF-style: chr11-68190975-C-G.
Other names: c.1303C>G, p.Leu435Val (NM_001291902.2); c.3046C>G (NM_002335.2); short protein forms L1016V, L435V.
Identifiers: ClinVar variation 1942930 (VCV001942930.6), dbSNP rs2496814947, ClinGen allele CA381620595.

ClinVar aggregate classification (germline): Uncertain significance. Review status: criteria provided, multiple submitters, no conflicts (2 of 4 stars). 2 submissions from 2 submitters: Uncertain significance (2). Last evaluated 2026-01-23.

Conditions:
Inborn genetic diseases. Identifiers: MedGen C0950123, MeSH D030342.

Allele frequency attached by ClinVar (database versions not stated): gnomAD exomes below 0.00001.
gnomAD v4.1: 2 of 1,614,190 alleles (0.00012%); highest among the groups gnomAD compares: Admixed American, 0.0017%; no homozygotes.

Submissions (2):

Labcorp Genetics (formerly Invitae), Labcorp
Classification: Uncertain significance. Last evaluated: 2026-01-23. Review status: criteria provided, single submitter. Criteria: Invitae Variant Classification Sherloc (09022015). Collection method: clinical testing. Allele origin: germline.
Comment: This sequence change replaces leucine, which is neutral and non-polar, with valine, which is neutral and non-polar, at codon 1016 of the LRP5 protein (p.Leu1016Val). This variant is not present in population databases (gnomAD no frequency). This variant has not been reported in the literature in individuals affected with LRP5-related conditions. ClinVar contains an entry for this variant (Variation ID: 1942930). Invitae Evidence Modeling of protein sequence and biophysical properties (such as structural, functional, and spatial information, amino acid conservation, physicochemical variation, residue mobility, and thermodynamic stability) indicates that this missense variant is not expected to disrupt LRP5 protein function with a negative predictive value of 95%. In summary, the available evidence is currently insufficient to determine the role of this variant in disease. Therefore, it has been classified as a Variant of Uncertain Significance.

Ambry Genetics
Classification: Uncertain significance for Inborn genetic diseases. Last evaluated: 2024-07-09. Review status: criteria provided, single submitter. Criteria: Ambry Variant Classification Scheme 2023. Collection method: clinical testing. Allele origin: germline.